The following is an entry in ClinVar:

ClinVar aggregate classification (germline): Likely benign. Review status: criteria provided, multiple submitters, no conflicts (2 of 4 stars). 2 submissions from 2 submitters: Likely benign (2). Last evaluated 2025-12-31.

Conditions:
MYO7A-related disorder. Also called: MYO7A-related disorders.

Allele frequency attached by ClinVar (database versions not stated): gnomAD 0.00004 and 0.00005; TOPMed 0.00008; gnomAD exomes 0.00017; ExAC 0.00030; 1000 Genomes Project 0.00040; 1000 Genomes Project 30x 0.00047.

Submissions (2):

Labcorp Genetics (formerly Invitae), Labcorp
Classification: Likely benign. Last evaluated: 2025-12-31. Review status: criteria provided, single submitter. Criteria: Invitae Variant Classification Sherloc (09022015). Collection method: clinical testing. Allele origin: germline.

PreventionGenetics, part of Exact Sciences
Classification: Likely benign for MYO7A-related condition. Last evaluated: 2024-12-03. Review status: criteria provided, single submitter. Criteria: ACMG Guidelines, 2015. Collection method: clinical testing. Allele origin: germline.
Comment: This variant is classified as likely benign based on ACMG/AMP sequence variant interpretation guidelines (Richards et al. 2015 PMID: 25741868, with internal and published modifications).

NM_000260.4(MYO7A):c.4309G>A (p.Ala1437Thr)

Gene: MYO7A (myosin VIIA; plus strand). Cytogenetic location: 11q13.5.
Variant type: single nucleotide variant.
Coding change: c.4309G>A on transcript NM_000260.4 (MANE Select); coding-DNA position 4309, G replaced by A.
Protein change: p.Ala1437Thr; replaces alanine 1437 with threonine.
Molecular consequence: missense variant.
Genome position (GRCh38, 1-based): chr11:77,194,510, G>A. VCF-style: chr11-77194510-G-A. GRCh37 (hg19) VCF-style: chr11-76905555-G-A.
Other names: c.4309G>A, p.Ala1437Thr (NM_001127180.2); c.4276G>A, p.Ala1426Thr (NM_001369365.1); short protein forms A1426T, A1437T.
Identifiers: ClinVar variation 750802 (VCV000750802.12), dbSNP rs200934424, ClinGen allele CA6198400.
Genomic context (GRCh38, chr11:77,194,510, plus strand): 5'-ATCCCCGACCGCGAGATCACGCCCCTGAAGACGCTGGAGAAGTGGGCCCAGCTGGCCATC[G>A]CCGCCCACAAGAAGGTAGAAGGGCTGAGAGGAGTCCTAGAGAAGGGATGTGGACCTGAAC-3'
Protein context (NP_000251.3, residues 1427-1447): TLEKWAQLAI[Ala1437Thr]AHKKGIYAQR